The following is an entry in ClinVar:

NM_000088.4(COL1A1):c.796G>A (p.Gly266Arg)

Genes: COL1A1 (collagen type I alpha 1 chain; minus strand), LOC126862586 (CDK7 strongly-dependent group 2 enhancer GRCh37_chr17:48273702-48274901; plus strand). Cytogenetic location: 17q21.33.
Variant type: single nucleotide variant.
Coding change: c.796G>A on transcript NM_000088.4 (MANE Select); coding-DNA position 796, G replaced by A.
Protein change: p.Gly266Arg; replaces glycine 266 with arginine.
Molecular consequence: missense variant.
Genome position (GRCh38, 1-based): chr17:50,197,018, C>T on the plus strand (G>A on the coding strand, the complement: COL1A1 is on the minus strand). VCF-style: chr17-50197018-C-T. GRCh37 (hg19) VCF-style: chr17-48274379-C-T.
Other names: c.796G>A (NM_000088.3); short protein forms G266R.
Identifiers: ClinVar variation 1456151 (VCV001456151.7), dbSNP rs1555574493, ClinGen allele CA400223713.
Genomic context (GRCh38, chr17:50,197,018, plus strand): 5'-ATGGGGGTATGCTAGGGACTTGGGGAGCTTAAATGACTCAAAGGTGACTCACTCTGTGTC[C>T]CTTCATTCCAGGGAGGCCAGCTGTTCCGGGCAATCCTCGAGCACCCTGGAGAGAGATGAA-3'
Protein context (NP_000079.2, residues 256-276): PGTAGLPGMK[Gly266Arg]HRGFSGLDGA

ClinVar aggregate classification (germline): Pathogenic. Review status: criteria provided, multiple submitters, no conflicts (2 of 4 stars). 2 submissions from 2 submitters: Pathogenic (2). Last evaluated 2024-02-08.

Conditions:
Osteogenesis imperfecta type I (OI1). Also called: Lobstein disease; Classic Non-deforming Osteogenesis Imperfecta with Blue Sclerae; OI, TYPE I; OSTEOGENESIS IMPERFECTA TARDA; OSTEOGENESIS IMPERFECTA WITH BLUE SCLERAE; Osteogenesis imperfecta type 1. Identifiers: Orphanet 216796, Orphanet 666, MedGen C0023931, MONDO:0008146, OMIM 166200. Disease mechanism: loss of function.

Submissions (2):

GeneDx
Classification: Pathogenic. Last evaluated: 2024-02-08. Review status: criteria provided, single submitter. Criteria: GeneDx Variant Classification Process June 2021. Collection method: clinical testing. Allele origin: germline. Affected: yes.
Comment: Occurs in the triple helical domain and replaces a glycine in a canonical Gly-X-Y repeat; missense substitution of a canonical glycine residue is expected to disrupt normal protein folding and function, and this is an established mechanism of disease (PMID: 34007986); Not observed in large population cohorts (gnomAD); In silico analysis supports that this missense variant has a deleterious effect on protein structure/function; This variant is associated with the following publications: (PMID: 27090748)

Labcorp Genetics (formerly Invitae), Labcorp
Classification: Pathogenic for Osteogenesis imperfecta type I. Last evaluated: 2021-07-26. Review status: criteria provided, single submitter. Criteria: Invitae Variant Classification Sherloc (09022015). Collection method: clinical testing. Allele origin: germline.
Comment: For these reasons, this variant has been classified as Pathogenic. This variant disrupts the triple helix domain of COL1A1. Glycine residues within the Gly-Xaa-Yaa repeats of the triple helix domain are required for the structure and stability of fibrillar collagens (PMID: 7695699, 8218237, 19344236). In COL1A1, variants affecting these glycine residues are significantly enriched in individuals with disease (PMID: 9016532, 17078022) compared to the general population (ExAC). Advanced modeling of protein sequence and biophysical properties (such as structural, functional, and spatial information, amino acid conservation, physicochemical variation, residue mobility, and thermodynamic stability) performed at Invitae indicates that this missense variant is expected to disrupt COL1A1 protein function. This variant has been observed in individual(s) with clinical features of COL1A1-related conditions (PMID: 27090748). This variant is not present in population databases (ExAC no frequency). This sequence change replaces glycine with arginine at codon 266 of the COL1A1 protein (p.Gly266Arg). The glycine residue is highly conserved and there is a moderate physicochemical difference between glycine and arginine.

Literature cited by the submitters: PubMed 7695699 (cited by Labcorp Genetics (formerly Invitae), Labcorp); PubMed 8218237 (cited by Labcorp Genetics (formerly Invitae), Labcorp); PubMed 19344236 (cited by Labcorp Genetics (formerly Invitae), Labcorp); PubMed 9016532 (cited by Labcorp Genetics (formerly Invitae), Labcorp); PubMed 17078022 (cited by Labcorp Genetics (formerly Invitae), Labcorp); PubMed 27090748 (cited by Labcorp Genetics (formerly Invitae), Labcorp).